The following is an entry in ClinVar:

NM_001128840.3(CACNA1D):c.1610C>T (p.Thr537Ile)

Gene: CACNA1D (calcium voltage-gated channel subunit alpha1 D; plus strand). Cytogenetic location: 3p21.1.
Variant type: single nucleotide variant.
Coding change: c.1610C>T on transcript NM_001128840.3 (MANE Select); coding-DNA position 1610, C replaced by T.
Protein change: p.Thr537Ile; replaces threonine 537 with isoleucine.
Molecular consequence: missense variant.
Genome position (GRCh38, 1-based): chr3:53,722,418, C>T. VCF-style: chr3-53722418-C-T. GRCh37 (hg19) VCF-style: chr3-53756445-C-T.
Other names: p.Thr557Ile; c.1670C>T, p.Thr557Ile (NM_000720.4); c.1610C>T, p.Thr537Ile (NM_001128839.3); short protein forms T537I, T557I.
Identifiers: ClinVar variation 3375807 (VCV003375807.2).

ClinVar aggregate classification (germline): Uncertain significance. Review status: criteria provided, multiple submitters, no conflicts (2 of 4 stars). 2 submissions from 2 submitters: Uncertain significance (2). Last evaluated 2024-05-07.

gnomAD v4.1: 2 of 1,614,136 alleles (0.00012%); highest among the groups gnomAD compares: African/African-American, 0.0013%; no homozygotes.

Submissions (2):

GeneDx
Classification: Uncertain significance. Last evaluated: 2024-05-07. Review status: criteria provided, single submitter. Criteria: GeneDx Variant Classification Process June 2021. Collection method: clinical testing. Allele origin: germline. Affected: yes.
Comment: Not observed at significant frequency in large population cohorts (gnomAD); In silico analysis supports that this missense variant has a deleterious effect on protein structure/function; Has not been previously published as pathogenic or benign to our knowledge

Mayo Clinic Laboratories, Mayo Clinic
Classification: Uncertain significance. Last evaluated: 2023-09-15. Review status: criteria provided, single submitter. Criteria: ACMG Guidelines, 2015. Collection method: clinical testing. Allele origin: germline. Observed: 1 variant allele.
Comment: PP2, PP3, PM2